The following is an entry in ClinVar:

ClinVar aggregate classification (germline): Likely benign. Review status: criteria provided, multiple submitters, no conflicts (2 of 4 stars). 4 submissions from 4 submitters: Likely benign (4). Last evaluated 2025-07-27.

Conditions:
PCDH19-related disorder. Also called: PCDH19-related condition.
Inborn genetic diseases. Identifiers: MedGen C0950123, MeSH D030342.
Developmental and epileptic encephalopathy, 9 (DEE9). Also called: PCDH19-Related X-Linked Female-Limited Epilepsy with Mental Retardation; EPILEPSY, FEMALE-RESTRICTED, WITH MENTAL RETARDATION; Early infantile epileptic encephalopathy 9; JUBERG-HELLMAN SYNDROME. Identifiers: Orphanet 101039, Orphanet 2076, MedGen C1848137, MONDO:0010246, OMIM 300088. Disease mechanism: loss of function.

Allele frequency attached by ClinVar (database versions not stated): gnomAD exomes 0.00002 and 0.00012; ExAC 0.00003; TOPMed 0.00006; ESP Exome Variant Server 0.00010; gnomAD 0.00011 and 0.00012.
gnomAD v4.1: 149 of 1,210,554 alleles (0.012%); highest among the groups gnomAD compares: Non-Finnish European, 0.016%; no homozygotes.

Submissions (4):

Labcorp Genetics (formerly Invitae), Labcorp
Classification: Likely benign for Developmental and epileptic encephalopathy, 9. Last evaluated: 2025-07-27. Review status: criteria provided, single submitter. Criteria: Invitae Variant Classification Sherloc (09022015). Collection method: clinical testing. Allele origin: germline.

PreventionGenetics, part of Exact Sciences
Classification: Likely benign for PCDH19-related condition. Last evaluated: 2024-11-22. Review status: criteria provided, single submitter. Criteria: ACMG Guidelines, 2015. Collection method: clinical testing. Allele origin: germline.
Comment: This variant is classified as likely benign based on ACMG/AMP sequence variant interpretation guidelines (Richards et al. 2015 PMID: 25741868, with internal and published modifications).

Ambry Genetics
Classification: Likely benign for Inborn genetic diseases. Last evaluated: 2017-12-18. Review status: criteria provided, single submitter. Criteria: Ambry Variant Classification Scheme 2023. Collection method: clinical testing. Allele origin: germline.

Genetic Services Laboratory, University of Chicago
Classification: Likely benign. Last evaluated: 2015-10-15. Review status: criteria provided, single submitter. Criteria: ACMG Guidelines, 2015. Collection method: clinical testing. Allele origin: germline. Affected: no.

NM_001184880.2(PCDH19):c.1107C>T (p.Ala369=)

Gene: PCDH19 (protocadherin 19; minus strand). Cytogenetic location: Xq22.1.
Variant type: single nucleotide variant.
Coding change: c.1107C>T on transcript NM_001184880.2 (MANE Select); coding-DNA position 1107, C replaced by T.
Protein change: p.Ala369=; no amino-acid change (alanine 369 retained).
Molecular consequence: synonymous variant.
Genome position (GRCh38, 1-based): chrX:100,407,491, G>A on the plus strand (C>T on the coding strand, the complement: PCDH19 is on the minus strand). VCF-style: chrX-100407491-G-A. GRCh37 (hg19) VCF-style: chrX-99662489-G-A.
Other names: c.1107C>T, p.Ala369= (NM_001105243.2, NM_020766.3).
Identifiers: ClinVar variation 436169 (VCV000436169.17), dbSNP rs199879056, ClinGen allele CA10468916.